The following is an entry in ClinVar:

ClinVar aggregate classification (germline): Uncertain significance (1 of 4 stars; one submission).

Conditions:
Arginine:glycine amidinotransferase deficiency (CCDS3). Also called: AGAT deficiency; Cerebral creatine deficiency syndrome 3; L-Arginine:Glycine Amidinotransferase Deficiency; Creatine deficiency syndrome due to AGAT deficiency; GATM deficiency; L-Arginine:Glycine Amidinotransferase (AGAT) Deficiency. Identifiers: Orphanet 35704, MedGen C2675179, MONDO:0012996, OMIM 612718.

Allele frequency attached by ClinVar (database versions not stated): gnomAD exomes below 0.00001; TOPMed below 0.00001.

Submission:

Labcorp Genetics (formerly Invitae), Labcorp
Classification: Uncertain significance for Arginine:glycine amidinotransferase deficiency. Last evaluated: 2020-02-18. Review status: criteria provided, single submitter. Criteria: Invitae Variant Classification Sherloc (09022015). Collection method: clinical testing. Allele origin: germline.
Comment: This sequence change results in a premature translational stop signal in the GATM gene (p.Arg415*). While this is not anticipated to result in nonsense mediated decay, it is expected to disrupt the last 9 amino acids of the GATM protein. This variant is not present in population databases (ExAC no frequency). This variant has not been reported in the literature in individuals with GATM-related conditions. Experimental studies and prediction algorithms are not available or were not evaluated, and the functional significance of this variant is currently unknown. In summary, the available evidence is currently insufficient to determine the role of this variant in disease. Therefore, it has been classified as a Variant of Uncertain Significance.

NM_001482.3(GATM):c.1243C>T (p.Arg415Ter)

Gene: GATM (glycine amidinotransferase; minus strand). Cytogenetic location: 15q21.1.
Variant type: single nucleotide variant.
Coding change: c.1243C>T on transcript NM_001482.3 (MANE Select); coding-DNA position 1243, C replaced by T.
Protein change: p.Arg415Ter; replaces arginine 415 with a stop codon.
Molecular consequence: nonsense.
Genome position (GRCh38, 1-based): chr15:45,362,138, G>A on the plus strand (C>T on the coding strand, the complement: GATM is on the minus strand). VCF-style: chr15-45362138-G-A. GRCh37 (hg19) VCF-style: chr15-45654336-G-A.
Other names: c.856C>T, p.Arg286Ter (NM_001321015.2); short protein forms R286*, R415*.
Identifiers: ClinVar variation 1053957 (VCV001053957.7), dbSNP rs1357374472, ClinGen allele CA392254682.